The following is an entry in ClinVar:

ClinVar aggregate classification (germline): Uncertain significance (1 of 4 stars; one submission).

Allele frequency attached by ClinVar (database versions not stated): TOPMed below 0.00001; gnomAD 0.00001.

Submission:

Labcorp Genetics (formerly Invitae), Labcorp
Classification: Uncertain significance. Last evaluated: 2023-02-14. Review status: criteria provided, single submitter. Criteria: Invitae Variant Classification Sherloc (09022015). Collection method: clinical testing. Allele origin: germline.
Comment: This sequence change replaces valine, which is neutral and non-polar, with alanine, which is neutral and non-polar, at codon 334 of the JAK1 protein (p.Val334Ala). This variant is not present in population databases (gnomAD no frequency). This variant has not been reported in the literature in individuals affected with JAK1-related conditions. Advanced modeling of protein sequence and biophysical properties (such as structural, functional, and spatial information, amino acid conservation, physicochemical variation, residue mobility, and thermodynamic stability) performed at Invitae indicates that this missense variant is not expected to disrupt JAK1 protein function. In summary, the available evidence is currently insufficient to determine the role of this variant in disease. Therefore, it has been classified as a Variant of Uncertain Significance.

NM_002227.4(JAK1):c.1001T>C (p.Val334Ala)

Gene: JAK1 (Janus kinase 1; minus strand). Cytogenetic location: 1p31.3.
Variant type: single nucleotide variant.
Coding change: c.1001T>C on transcript NM_002227.4 (MANE Select); coding-DNA position 1001, T replaced by C.
Protein change: p.Val334Ala; replaces valine 334 with alanine.
Molecular consequence: missense variant.
Genome position (GRCh38, 1-based): chr1:64,864,962, A>G on the plus strand (T>C on the coding strand, the complement: JAK1 is on the minus strand). VCF-style: chr1-64864962-A-G. GRCh37 (hg19) VCF-style: chr1-65330645-A-G.
Other names: c.1001T>C, p.Val334Ala (NM_001320923.2, NM_001321852.2, NM_001321853.2 and 4 more transcripts); short protein forms V334A.
Identifiers: ClinVar variation 2955875 (VCV002955875.3), dbSNP rs1285092250, ClinGen allele CA340674210.